The following is an entry in ClinVar:

NM_000053.4(ATP7B):c.3517G>A (p.Glu1173Lys)

Gene: ATP7B (ATPase copper transporting beta; minus strand). Cytogenetic location: 13q14.3.
Variant type: single nucleotide variant.
Coding change: c.3517G>A on transcript NM_000053.4 (MANE Select); coding-DNA position 3517, G replaced by A.
Protein change: p.Glu1173Lys; replaces glutamic acid 1173 with lysine.
Molecular consequence: missense variant.
Genome position (GRCh38, 1-based): chr13:51,941,120, C>T on the plus strand (G>A on the coding strand, the complement: ATP7B is on the minus strand). VCF-style: chr13-51941120-C-T. GRCh37 (hg19) VCF-style: chr13-52515256-C-T.
Other names: c.2896G>A, p.Glu966Lys (NM_001005918.3); c.3184G>A, p.Glu1062Lys (NM_001243182.2); c.3283G>A, p.Glu1095Lys (NM_001330578.2); c.3265G>A, p.Glu1089Lys (NM_001330579.2); short protein forms E1173K, E966K, E1062K, E1089K, E1095K.
Identifiers: ClinVar variation 189050 (VCV000189050.28), dbSNP rs756029120, ClinGen allele CA274321.

ClinVar aggregate classification (germline): Pathogenic/Likely pathogenic. Review status: criteria provided, multiple submitters, no conflicts (2 of 4 stars). 14 submissions from 14 submitters: Pathogenic (12); Likely pathogenic (1). 1 of the submissions does not count toward it. Last evaluated 2026-07-13.

Conditions:
ATP7B-related disorder. Also called: ATP7B-related condition.
Wilson disease (WND). Also called: Wilson's disease. Identifiers: Orphanet 905, MedGen C0019202, MONDO:0010200, OMIM 277900. Disease mechanism: loss of function.

Allele frequency attached by ClinVar (database versions not stated): gnomAD exomes below 0.00001 and 0.00001; ExAC 0.00001; gnomAD 0.00002; TOPMed 0.00002.
gnomAD v4.1: 9 of 1,614,036 alleles (0.00056%); highest among the groups gnomAD compares: African/African-American, 0.004%; no homozygotes.

Submissions 1 to 10 of 14:

PreventionGenetics, part of Exact Sciences
Classification: Pathogenic for ATP7B-related condition. Last evaluated: 2026-07-13. Review status: criteria provided, single submitter. Criteria: ACMG Guidelines, 2015. Collection method: clinical testing. Allele origin: germline.
Comment: The ATP7B c.3517G>A variant is predicted to result in the amino acid substitution p.Glu1173Lys. This variant has been reported in both the homozygous state and with an additional pathogenic variant in the same gene in multiple individuals with clinical and biochemical characteristics consistent with Wilson disease (see for example: Chappuis et al. 2007. PubMed ID: 17317524; Abuduxikuer et al. 2014. PubMed ID: 24475083; Liu et al. 2018. PubMed ID: 29649982; Huang et al. 2022. PubMed ID: 35470480; Al-Obaidi et al. 2025. PubMed ID: 39933775). This variant is reported in 0.0099% of alleles in individuals of Ashkenazi Jewish descent in gnomAD, and it is consistently classified as pathogenic/likely pathogenic by several independent submitters to the ClinVar database (Variation ID: 189050). Taken together, this variant is interpreted as pathogenic.

Natera, Inc.
Classification: Pathogenic for Wilson disease. Last evaluated: 2025-11-26. Review status: criteria provided, single submitter. Criteria: Natera Variant Classification Schema (03/2026). Collection method: clinical testing. Allele origin: germline.
Comment: The c.3517G>A variant in ATP7B is a missense variant predicted to cause substitution of glutamic acid to lysine at amino acid 1173. This variant is rare in the general population with a frequency below the threshold expected for the associated phenotype(s). This variant has been observed in one or more individuals affected with the associated recessive disease, as either homozygous or compound heterozygous with a second variant (PMID: 24475083, 23275100, 23843956). Computational prediction algorithms indicate this variant is likely to affect gene or protein function. Given the available evidence, this variant is classified as Pathogenic.

Dasa
Classification: Pathogenic. Last evaluated: 2025-09-21. Review status: criteria provided, single submitter. Criteria: DASA Assertion Criteria. Collection method: clinical testing. Allele origin: germline.
Comment: NM_000053.4(ATP7B):c.3517G>A (p.Glu1173Lys) is a missense variant that results in the substitution of glutamic acid with lysine. This variant has been observed in affected individuals with related phenotype in a genotype context consistent with recessive disease (PMID: 23843956; PMID: 10544227; PMID: 29649982; PMID: 33763395; PMID: 36253962). Functional evidence supports a deleterious effect on the gene or gene product (PMID: 23843956; PMID: 10544227; PMID: 29649982; PMID: 33763395; PMID: 36253962). This variant has been recurrently observed in individuals with related phenotype (PMID: 23843956; PMID: 10544227; PMID: 29649982; PMID: 33763395; PMID: 36253962). Multiple computational predictions support a deleterious effect on the gene or gene product. The variant is present at low frequency in population datasets. Based on the available data, this variant is classified as pathogenic.

Labcorp Genetics (formerly Invitae), Labcorp
Classification: Pathogenic for Wilson disease. Last evaluated: 2024-05-15. Review status: criteria provided, single submitter. Criteria: Invitae Variant Classification Sherloc (09022015). Collection method: clinical testing. Allele origin: germline.
Comment: This sequence change replaces glutamic acid, which is acidic and polar, with lysine, which is basic and polar, at codon 1173 of the ATP7B protein (p.Glu1173Lys). This variant is present in population databases (rs756029120, gnomAD 0.01%). This missense change has been observed in individual(s) with Wilson disease (PMID: 10544227, 17680703, 23275100, 23843956, 27022412; Invitae). In at least one individual the data is consistent with being in trans (on the opposite chromosome) from a pathogenic variant. ClinVar contains an entry for this variant (Variation ID: 189050). Advanced modeling of protein sequence and biophysical properties (such as structural, functional, and spatial information, amino acid conservation, physicochemical variation, residue mobility, and thermodynamic stability) performed at Invitae indicates that this missense variant is expected to disrupt ATP7B protein function with a positive predictive value of 80%. Experimental studies have shown that this missense change affects ATP7B function (PMID: 20333758). For these reasons, this variant has been classified as Pathogenic.

All of Us Research Program, National Institutes of Health
Classification: Pathogenic for Wilson disease. Last evaluated: 2024-02-05. Review status: criteria provided, single submitter. Criteria: ACMG Guidelines, 2015. Collection method: clinical testing. Allele origin: germline. Inheritance: Autosomal recessive inheritance. Observed: 3 variant alleles, 3 heterozygotes.
Comment: This missense variant replaces glutamic acid with lysine at codon 1173 of the ATP7B protein. Computational prediction suggests that this variant may have deleterious impact on protein structure and function (internally defined REVEL score threshold >= 0.7, PMID: 27666373). This variant alters a conserved glutamic acid residue in the N domain of the ATP7B protein (a.a. 1032 - 1196), a highly conserved region that is considered to be important for ATP7B protein function (PMID: 35245129; ClinVar). To our knowledge, functional studies have not been reported for this variant. This variant has been observed in individuals affected with autosomal recessive Wilson disease (PMID: 10544227, 11043508, 11405812, 11775208, 14986826, 17317524, 23275100, 23843956, 24718822, 27022412, 30702195), including in 1 individual in the homozygous state (PMID: 27022412) and in 10 individuals in the compound heterozygous state or in unknown phase with a second pathogenic variant in the ATP7B gene (PMID: 10544227, 11043508, 11775208, 17317524, 23275100, 23843956, 24718822, 30702195). This variant has been identified in 3/249590 chromosomes in the general population by the Genome Aggregation Database (gnomAD). Based on the available evidence, this variant is classified as Pathogenic.

This study involves interpretation of variants in research participants for the purpose of population health screening. Participant phenotype was not available at the time of variant classification. Additional details can be found in publication PMID: 35346344, PMCID: PMC8962531

Baylor Genetics
Classification: Pathogenic for Wilson disease. Last evaluated: 2023-11-19. Review status: criteria provided, single submitter. Criteria: ACMG Guidelines, 2015. Collection method: clinical testing. Allele origin: unknown.

Color Diagnostics, LLC DBA Color Health
Classification: Pathogenic for Wilson disease. Last evaluated: 2023-11-15. Review status: criteria provided, single submitter. Criteria: ACMG Guidelines, 2015. Collection method: clinical testing. Allele origin: germline.
Comment: This missense variant replaces glutamic acid with lysine at codon 1173 of the ATP7B protein. Computational prediction suggests that this variant may have deleterious impact on protein structure and function. This variant alters a conserved glutamic acid residue in the N domain of the ATP7B protein (a.a. 1032 - 1196), a highly conserved region that is considered to be important for ATP7B protein function (PMID: 35245129ClinVar). To our knowledge, functional studies have not been reported for this variant. This variant has been observed in individuals affected with autosomal recessive Wilson disease (PMID: 10544227, 11043508, 11405812, 11775208, 14986826, 17317524, 23275100, 23843956, 24718822, 27022412, 30702195), including in 1 individual in the homozygous state (PMID: 27022412) and in 10 individuals in the compound heterozygous state or in unknown phase with a second pathogenic variant in the ATP7B gene (PMID: 10544227, 11043508, 11775208, 17317524, 23275100, 23843956, 24718822, 30702195). This variant has been identified in 3/249590 chromosomes in the general population by the Genome Aggregation Database (gnomAD). Based on the available evidence, this variant is classified as Pathogenic.

Revvity Omics, Revvity
Classification: Pathogenic for Wilson disease. Last evaluated: 2023-03-31. Review status: criteria provided, single submitter. Criteria: ACMG Guidelines, 2015. Collection method: clinical testing. Allele origin: germline.

Fulgent Genetics
Classification: Pathogenic for Wilson disease. Last evaluated: 2022-01-04. Review status: criteria provided, single submitter. Criteria: ACMG Guidelines, 2015. Collection method: clinical testing. Allele origin: unknown.

Genome-Nilou Lab
Classification: Likely pathogenic for Wilson disease. Last evaluated: 2021-08-10. Review status: criteria provided, single submitter. Criteria: ACMG Guidelines, 2015. Collection method: clinical testing. Allele origin: germline. Affected: no.